The following is an entry in ClinVar:

NM_144997.7(FLCN):c.766A>C (p.Thr256Pro)

Gene: FLCN (folliculin; minus strand). Cytogenetic location: 17p11.2.
Variant type: single nucleotide variant.
Coding change: c.766A>C on transcript NM_144997.7 (MANE Select); coding-DNA position 766, A replaced by C.
Protein change: p.Thr256Pro; replaces threonine 256 with proline.
Molecular consequence: missense variant.
Genome position (GRCh38, 1-based): chr17:17,222,514, T>G on the plus strand (A>C on the coding strand, the complement: FLCN is on the minus strand). VCF-style: chr17-17222514-T-G. GRCh37 (hg19) VCF-style: chr17-17125828-T-G.
Other names: c.820A>C, p.Thr274Pro (NM_001353229.2); c.766A>C, p.Thr256Pro (NM_001353230.2, NM_001353231.2, NM_144606.7); short protein forms T256P, T274P.
Identifiers: ClinVar variation 2792308 (VCV002792308.3), dbSNP rs876658799, ClinGen allele CA398533842.

ClinVar aggregate classification (germline): Uncertain significance (1 of 4 stars; one submission).

Conditions:
Birt-Hogg-Dube syndrome. Also called: Birt Hogg Dubé syndrome. Identifiers: Orphanet 122, MedGen C0346010, MONDO:0800444.

Submission:

Labcorp Genetics (formerly Invitae), Labcorp
Classification: Uncertain significance for Birt-Hogg-Dube syndrome. Last evaluated: 2023-08-07. Review status: criteria provided, single submitter. Criteria: Invitae Variant Classification Sherloc (09022015). Collection method: clinical testing. Allele origin: germline.
Comment: In summary, the available evidence is currently insufficient to determine the role of this variant in disease. Therefore, it has been classified as a Variant of Uncertain Significance. Advanced modeling of protein sequence and biophysical properties (such as structural, functional, and spatial information, amino acid conservation, physicochemical variation, residue mobility, and thermodynamic stability) performed at Invitae indicates that this missense variant is not expected to disrupt FLCN protein function. This variant has not been reported in the literature in individuals affected with FLCN-related conditions. This variant is not present in population databases (gnomAD no frequency). This sequence change replaces threonine, which is neutral and polar, with proline, which is neutral and non-polar, at codon 256 of the FLCN protein (p.Thr256Pro).